The following is an entry in ClinVar:

NM_182914.3(SYNE2):c.3688G>A (p.Ala1230Thr)

Gene: SYNE2 (spectrin repeat containing nuclear envelope protein 2; plus strand). Cytogenetic location: 14q23.2.
Variant type: single nucleotide variant.
Coding change: c.3688G>A on transcript NM_182914.3 (MANE Select); coding-DNA position 3688, G replaced by A.
Protein change: p.Ala1230Thr; replaces alanine 1230 with threonine.
Molecular consequence: missense variant.
Genome position (GRCh38, 1-based): chr14:64,001,983, G>A. VCF-style: chr14-64001983-G-A. GRCh37 (hg19) VCF-style: chr14-64468701-G-A.
Other names: c.3688G>A, p.Ala1230Thr (NM_015180.6); short protein forms A1230T.
Identifiers: ClinVar variation 961124 (VCV000961124.10), dbSNP rs1294862758, ClinGen allele CA389994296.

ClinVar aggregate classification (germline): Uncertain significance. Review status: criteria provided, multiple submitters, no conflicts (2 of 4 stars). 2 submissions from 2 submitters: Uncertain significance (2). Last evaluated 2022-11-08.

Conditions:
Emery-Dreifuss muscular dystrophy 5, autosomal dominant (EDMD5). Also called: EMERY-DREIFUSS MUSCULAR DYSTROPHY 5. Identifiers: Orphanet 261, MedGen C2751805, MONDO:0013072, OMIM 612999.

Allele frequency attached by ClinVar (database versions not stated): gnomAD exomes below 0.00001 and 0.00001.
gnomAD v4.1: 14 of 1,613,966 alleles (0.00087%); highest among the groups gnomAD compares: Non-Finnish European, 0.0011%; no homozygotes.

Submissions (2):

Labcorp Genetics (formerly Invitae), Labcorp
Classification: Uncertain significance for Emery-Dreifuss muscular dystrophy 5, autosomal dominant. Last evaluated: 2022-11-08. Review status: criteria provided, single submitter. Criteria: Invitae Variant Classification Sherloc (09022015). Collection method: clinical testing. Allele origin: germline.
Comment: This variant has not been reported in the literature in individuals affected with SYNE2-related conditions. In summary, the available evidence is currently insufficient to determine the role of this variant in disease. Therefore, it has been classified as a Variant of Uncertain Significance. Algorithms developed to predict the effect of missense changes on protein structure and function (SIFT, PolyPhen-2, Align-GVGD) all suggest that this variant is likely to be tolerated. ClinVar contains an entry for this variant (Variation ID: 961124). This variant is present in population databases (no rsID available, gnomAD 0.0009%). This sequence change replaces alanine, which is neutral and non-polar, with threonine, which is neutral and polar, at codon 1230 of the SYNE2 protein (p.Ala1230Thr).

Neuberg Centre For Genomic Medicine, NCGM
Classification: Uncertain significance for Emery-Dreifuss muscular dystrophy 5, autosomal dominant. Review status: criteria provided, single submitter. Criteria: ACMG Guidelines, 2015. Collection method: clinical testing. Allele origin: germline. Inheritance: Autosomal dominant inheritance. Affected: yes.
Comment: The missense c.3688G>A p.Ala1230Thr variant in SYNE2 gene has not been reported previously as a pathogenic variant nor as a benign variant, to our knowledge. The p.Ala1230Thr variant is reported with an allele frequency of 0.0004% in the gnomAD exomes database and is novel not in any individuals in 1000 Genomes database. This variant has been reported to the ClinVar database as Uncertain Significance. The amino acid change p.Ala1230Thr in SYNE2 is predicted as conserved by GERP++ and PhyloP across 100 vertebrates. The amino acid Ala at position 1230 is changed to a Thr changing protein sequence and it might alter its composition and physico-chemical properties. For these reasons, this variant has been classified as a Variant of Uncertain Significance VUS.